The following is an entry in ClinVar:

NM_000142.5(FGFR3):c.1862G>A (p.Arg621His)

Gene: FGFR3 (fibroblast growth factor receptor 3; plus strand). Cytogenetic location: 4p16.3.
Variant type: single nucleotide variant.
Coding change: c.1862G>A on transcript NM_000142.5 (MANE Select); coding-DNA position 1862, G replaced by A.
Protein change: p.Arg621His; replaces arginine 621 with histidine.
Molecular consequence: missense variant. On other transcripts: non-coding transcript variant (1).
Genome position (GRCh38, 1-based): chr4:1,806,076, G>A. VCF-style: chr4-1806076-G-A. GRCh37 (hg19) VCF-style: chr4-1807803-G-A.
Other names: c.1868G>A, p.Arg623His (NM_001163213.2); c.1865G>A, p.Arg622His (NM_001354809.2, NM_001354810.2); c.1526G>A, p.Arg509His (NM_022965.4); short protein forms R621H, R623H, R509H, R622H.
Identifiers: ClinVar variation 16355 (VCV000016355.11), dbSNP rs121913113, ClinGen allele CA126386.
Genomic context (GRCh38, chr4:1,806,076, plus strand): 5'-AGAGGCTTCAGCCCTGCCTCCCACCCCTTCCCCAGTGCATCCACAGGGACCTGGCTGCCC[G>A]CAATGTGCTGGTGACCGAGGACAACGTGATGAAGATCGCAGACTTCGGGCTGGCCCGGGA-3'
Protein context (NP_000133.1, residues 611-631): QKCIHRDLAA[Arg621His]NVLVTEDNVM

ClinVar aggregate classification (germline): Pathogenic/Likely pathogenic. Review status: criteria provided, multiple submitters, no conflicts (2 of 4 stars). 3 submissions from 3 submitters: Pathogenic (1); Likely pathogenic (1). 1 of the submissions does not count toward it. Last evaluated 2026-06-23.

Conditions:
FGFR3-related chondrodysplasia. Identifiers: Orphanet 93420, MedGen C5681604, MONDO:0019685.
Camptodactyly-tall stature-scoliosis-hearing loss syndrome. Also called: CATSHL SYNDROME. Identifiers: Orphanet 85164, MedGen C1864852, MONDO:0012504, OMIM 610474.

Allele frequency attached by ClinVar (database versions not stated): gnomAD exomes below 0.00001.
gnomAD v4.1: 1 of 1,613,614 alleles (0.000062%); highest among the groups gnomAD compares: Non-Finnish European, 0.000085%; no homozygotes.

Submissions (3):

Genomenon, Inc
Classification: Likely pathogenic for FGFR3-related chondrodysplasia. Last evaluated: 2026-06-23. Review status: criteria provided, single submitter. Criteria: Genomenon Sequence Variant Interpretation Standards - Updated. Collection method: curation. Allele origin: germline. Affected: yes.
Comment: FGFR3 p.Arg621His (c.1862G>A) is a missense variant that changes the amino acid at codon 621 from Arginine to Histidine. This variant has been observed in at least one proband with camptodactyly-tall stature-scoliosis-hearing loss syndrome (PMID:27139183;17033969). The variant was found to segregate with disease in at least one affected family (PMID:17033969). It is absent or not present at a significant frequency in gnomAD. In silico models predict that this variant is possibly or probably damaging. In conclusion, we classify FGFR3 p.Arg621His (c.1862G>A) as a likely pathogenic variant.

Labcorp Genetics (formerly Invitae), Labcorp
Classification: Pathogenic. Last evaluated: 2024-06-17. Review status: criteria provided, single submitter. Criteria: Invitae Variant Classification Sherloc (09022015). Collection method: clinical testing. Allele origin: germline.
Comment: This sequence change replaces arginine, which is basic and polar, with histidine, which is basic and polar, at codon 621 of the FGFR3 protein (p.Arg621His). This variant is not present in population databases (gnomAD no frequency). This missense change has been observed in individuals with campylodactyly, tall stature and sensorineural deafness (PMID: 17033969, 27139183). It has also been observed to segregate with disease in related individuals. This variant is also known as c.1915G>A. ClinVar contains an entry for this variant (Variation ID: 16355). Advanced modeling of protein sequence and biophysical properties (such as structural, functional, and spatial information, amino acid conservation, physicochemical variation, residue mobility, and thermodynamic stability) has been performed at Invitae for this missense variant, however the output from this modeling did not meet the statistical confidence thresholds required to predict the impact of this variant on FGFR3 protein function. For these reasons, this variant has been classified as Pathogenic.

OMIM
Classification: Pathogenic for CAMPTODACTYLY, TALL STATURE, AND HEARING LOSS SYNDROME. Last evaluated: 2006-11-01. Review status: no assertion criteria provided. Collection method: literature only. Allele origin: germline. Not counted in ClinVar's aggregate classification.

Literature cited by the submitters: PubMed 34272467 (cited by Genomenon, Inc); PubMed 27139183 (cited by Genomenon, Inc and Labcorp Genetics (formerly Invitae), Labcorp); PubMed 17033969 (cited by 3 submitters); PubMed 39498320 (cited by Genomenon, Inc); PubMed 38411226 (cited by Genomenon, Inc); PubMed 37990933 (cited by Genomenon, Inc); PubMed 35793999 (cited by Genomenon, Inc); PubMed 34582081 (cited by Genomenon, Inc); PubMed 23894085 (cited by Genomenon, Inc); PubMed 27223613 (cited by Genomenon, Inc); PubMed 27987249 (cited by Genomenon, Inc); PubMed 17981758 (cited by Genomenon, Inc); PubMed 26220993 (cited by Genomenon, Inc); PubMed 26010070 (cited by Genomenon, Inc); PubMed 19215249 (cited by Genomenon, Inc); PubMed 24864036 (cited by Genomenon, Inc); PubMed 17103447 (cited by Genomenon, Inc); PubMed 15863034 (cited by Genomenon, Inc); PubMed 16501574 (cited by Genomenon, Inc); PubMed 25114206 (cited by Genomenon, Inc); PubMed 18818193 (cited by Genomenon, Inc).